The following is an entry in ClinVar:

ClinVar aggregate classification (germline): Uncertain significance (1 of 4 stars; one submission).

Conditions:
Progressive sclerosing poliodystrophy (MTDPS4A). Also called: Mitochondrial DNA Depletion Syndrome 4A; Alpers-Huttenlocher Syndrome (AHS); ALPERS PROGRESSIVE INFANTILE POLIODYSTROPHY; NEURONAL DEGENERATION OF CHILDHOOD WITH LIVER DISEASE, PROGRESSIVE; Mitochondrial DNA depletion syndrome 4A (Alpers type); Alpers Syndrome. Identifiers: Orphanet 726, MedGen C0205710, MONDO:0008758, OMIM 203700.

Submission:

Labcorp Genetics (formerly Invitae), Labcorp
Classification: Uncertain significance for Progressive sclerosing poliodystrophy. Last evaluated: 2022-09-02. Review status: criteria provided, single submitter. Criteria: Invitae Variant Classification Sherloc (09022015). Collection method: clinical testing. Allele origin: germline.
Comment: In summary, the available evidence is currently insufficient to determine the role of this variant in disease. Therefore, it has been classified as a Variant of Uncertain Significance. This sequence change replaces proline, which is neutral and non-polar, with histidine, which is basic and polar, at codon 842 of the POLG protein (p.Pro842His). This variant is not present in population databases (gnomAD no frequency). This variant has not been reported in the literature in individuals affected with POLG-related conditions. Algorithms developed to predict the effect of missense changes on protein structure and function (SIFT, PolyPhen-2, Align-GVGD) all suggest that this variant is likely to be disruptive.

NM_002693.3(POLG):c.2525C>A (p.Pro842His)

Gene: POLG (DNA polymerase gamma, catalytic subunit; minus strand). Cytogenetic location: 15q26.1.
Variant type: single nucleotide variant.
Coding change: c.2525C>A on transcript NM_002693.3 (MANE Select); coding-DNA position 2525, C replaced by A.
Protein change: p.Pro842His; replaces proline 842 with histidine.
Molecular consequence: missense variant.
Genome position (GRCh38, 1-based): chr15:89,321,809, G>T on the plus strand (C>A on the coding strand, the complement: POLG is on the minus strand). VCF-style: chr15-89321809-G-T. GRCh37 (hg19) VCF-style: chr15-89865040-G-T.
Other names: c.2525C>A, p.Pro842His (NM_001126131.2); short protein forms P842H.
Identifiers: ClinVar variation 2122245 (VCV002122245.4), dbSNP rs2509222403, ClinGen allele CA393754519.
Genomic context (GRCh38, chr15:89,321,809, plus strand): 5'-GCGGTGAGCCATGTGGGCTCCACAGCCCGGCGAGTGATGGTGCCGGCAGTCACCACTTGG[G>T]GCAGGATGGCCCCATAGAGGCCTTCCTCATCATAGTCGGGGTGCCTGGTGGGGTGCAGGG-3'
Protein context (NP_002684.1, residues 832-852): DEEGLYGAIL[Pro842His]QVVTAGTITR